The following is an entry in ClinVar:

ClinVar aggregate classification (germline): Uncertain significance. Review status: criteria provided, multiple submitters, no conflicts (2 of 4 stars). 2 submissions from 2 submitters: Uncertain significance (2). Last evaluated 2022-06-25.

Conditions:
Mucopolysaccharidosis, MPS-III-A (MPS3A). Also called: Mucopolysaccharidosis type IIIA (Sanfilippo A); HEPARAN SULFATE SULFATASE DEFICIENCY; SANFILIPPO SYNDROME A; SULFAMIDASE DEFICIENCY; MPS III A; MUCOPOLYSACCHARIDOSIS, TYPE IIIA, ATTENUATED. Identifiers: Orphanet 581, Orphanet 79269, MedGen C0086647, MONDO:0009655, OMIM 252900.

Allele frequency attached by ClinVar (database versions not stated): TOPMed 0.00015; ExAC 0.00003; gnomAD 0.00011 and 0.00010; ESP Exome Variant Server 0.00015.
gnomAD v4.1: 94 of 1,610,336 alleles (0.0058%); highest among the groups gnomAD compares: African/African-American, 0.037%; no homozygotes.

Submissions (2):

Labcorp Genetics (formerly Invitae), Labcorp
Classification: Uncertain significance for Mucopolysaccharidosis, MPS-III-A. Last evaluated: 2022-06-25. Review status: criteria provided, single submitter. Criteria: Invitae Variant Classification Sherloc (09022015). Collection method: clinical testing. Allele origin: germline.
Comment: This sequence change replaces proline, which is neutral and non-polar, with leucine, which is neutral and non-polar, at codon 350 of the SGSH protein (p.Pro350Leu). This variant is present in population databases (rs144035603, gnomAD 0.03%). This variant has not been reported in the literature in individuals affected with SGSH-related conditions. Algorithms developed to predict the effect of missense changes on protein structure and function (SIFT, PolyPhen-2, Align-GVGD) all suggest that this variant is likely to be disruptive. In summary, the available evidence is currently insufficient to determine the role of this variant in disease. Therefore, it has been classified as a Variant of Uncertain Significance.

Victorian Clinical Genetics Services, Murdoch Childrens Research Institute
Classification: Uncertain significance for Mucopolysaccharidosis, MPS-III-A. Last evaluated: 2022-06-24. Review status: criteria provided, single submitter. Criteria: ACMG Guidelines, 2015. Collection method: clinical testing. Allele origin: germline. Inheritance: Autosomal recessive inheritance.
Comment: Based on the classification scheme VCGS_Germline_v1.3.4, this variant is classified as VUS-3B. Following criteria are met: 0102 - Loss of function is a known mechanism of disease in this gene and is associated with Mucopolysaccharidosis type IIIA (Sanfilippo A) [MIM#252900]. (I) 0106 - This gene is associated with autosomal recessive disease. (I) 0200 - Variant is predicted to result in a missense amino acid change from proline to leucine. (I) 0251 - This variant is heterozygous. (I) 0304 - Variant is present in gnomAD <0.01 for a recessive condition (v3 - 15 heterozygotes, 0 homozygotes). (SP) 0309 - An alternative amino acid change at the same position has been observed in gnomAD (v2 - 1 heterozygote, 0 homozygotes). (I) 0501 - Missense variant consistently predicted to be damaging by multiple in silico tools or highly conserved with a major amino acid change. (SP) 0604 - Variant is not located in an established domain, motif, hotspot or informative constraint region. (I) 0705 - No comparable missense variants have previous evidence for pathogenicity. (I) 0809 - Previous evidence of pathogenicity for this variant is inconclusive. This variant has previously been reported as a VUS in LOVD.(I) 0905 - No published segregation evidence has been identified for this variant. (I) 1007 - No published functional evidence has been identified for this variant. (I) Legend: (SP) - Supporting pathogenic, (I) - Information, (SB) - Supporting benign

NM_000199.5(SGSH):c.1049C>T (p.Pro350Leu)

Gene: SGSH (N-sulfoglucosamine sulfohydrolase; minus strand). Cytogenetic location: 17q25.3.
Variant type: single nucleotide variant.
Coding change: c.1049C>T on transcript NM_000199.5 (MANE Select); coding-DNA position 1049, C replaced by T.
Protein change: p.Pro350Leu; replaces proline 350 with leucine.
Molecular consequence: missense variant. On other transcripts: 3 prime UTR variant (2), non-coding transcript variant (1).
Genome position (GRCh38, 1-based): chr17:80,210,912, G>A on the plus strand (C>T on the coding strand, the complement: SGSH is on the minus strand). VCF-style: chr17-80210912-G-A. GRCh37 (hg19) VCF-style: chr17-78184711-G-A.
Other names: c.*136C>T (NM_001352921.3); c.*99C>T (NM_001352922.2); short protein forms P350L.
Identifiers: ClinVar variation 1699027 (VCV001699027.5), dbSNP rs144035603, ClinGen allele CA8817686.